The following is an entry in ClinVar:

NM_004369.4(COL6A3):c.5403C>A (p.Asn1801Lys)

Gene: COL6A3 (collagen type VI alpha 3 chain; minus strand). Cytogenetic location: 2q37.3.
Variant type: single nucleotide variant.
Coding change: c.5403C>A on transcript NM_004369.4 (MANE Select); coding-DNA position 5403, C replaced by A.
Protein change: p.Asn1801Lys; replaces asparagine 1801 with lysine.
Molecular consequence: missense variant.
Genome position (GRCh38, 1-based): chr2:237,366,784, G>T on the plus strand (C>A on the coding strand, the complement: COL6A3 is on the minus strand). VCF-style: chr2-237366784-G-T. GRCh37 (hg19) VCF-style: chr2-238275427-G-T.
Other names: c.3582C>A, p.Asn1194Lys (NM_057166.5); c.4785C>A, p.Asn1595Lys (NM_057167.4); short protein forms N1801K, N1194K, N1595K.
Identifiers: ClinVar variation 1489202 (VCV001489202.6), dbSNP rs114357878, ClinGen allele CA2188674.

ClinVar aggregate classification (germline): Uncertain significance (1 of 4 stars; one submission).

Conditions:
Bethlem myopathy 1A. Also called: Bethlem myopathy 1; Bethlem Muscular Dystrophy; MYOPATHY, BENIGN CONGENITAL, WITH CONTRACTURES. Identifiers: Orphanet 610, MedGen CN029274, MONDO:0024530, OMIM 158810.

gnomAD v4.1: 3 of 1,614,236 alleles (0.00019%); highest among the groups gnomAD compares: East Asian, 0.0022%; no homozygotes.

Submission:

Labcorp Genetics (formerly Invitae), Labcorp
Classification: Uncertain significance for Bethlem myopathy 1A. Last evaluated: 2021-11-08. Review status: criteria provided, single submitter. Criteria: Invitae Variant Classification Sherloc (09022015). Collection method: clinical testing. Allele origin: germline.
Comment: In summary, the available evidence is currently insufficient to determine the role of this variant in disease. Therefore, it has been classified as a Variant of Uncertain Significance. Advanced modeling of protein sequence and biophysical properties (such as structural, functional, and spatial information, amino acid conservation, physicochemical variation, residue mobility, and thermodynamic stability) performed at Invitae indicates that this missense variant is not expected to disrupt COL6A3 protein function. This variant has not been reported in the literature in individuals affected with COL6A3-related conditions. This variant is present in population databases (rs114357878, gnomAD 0.002%). This sequence change replaces asparagine, which is neutral and polar, with lysine, which is basic and polar, at codon 1801 of the COL6A3 protein (p.Asn1801Lys).